The following is an entry in ClinVar:

NM_001388492.1(HTT):c.6044G>A (p.Arg2015Gln)

Gene: HTT (huntingtin; plus strand). Cytogenetic location: 4p16.3.
Variant type: single nucleotide variant.
Coding change: c.6044G>A on transcript NM_001388492.1 (MANE Select); coding-DNA position 6044, G replaced by A.
Protein change: p.Arg2015Gln; replaces arginine 2015 with glutamine.
Molecular consequence: missense variant.
Genome position (GRCh38, 1-based): chr4:3,206,952, G>A. VCF-style: chr4-3206952-G-A. GRCh37 (hg19) VCF-style: chr4-3208679-G-A.
Other names: c.6050G>A, p.Arg2017Gln (NM_002111.8); short protein forms R2017Q, R2015Q.
Identifiers: ClinVar variation 1472581 (VCV001472581.6), dbSNP rs756076211, ClinGen allele CA2824887.
Genomic context (GRCh38, chr4:3,206,952, plus strand): 5'-GGCTTCTGTGCACCCCTTTCCGTGTGCTGGCTCGCATGGTCGACATCCTTGCTTGTCGCC[G>A]GGTAGAAATGCTTCTGGCTGCAAATTTACAGGTATTGGGAAGAGAAACCCTGATATTGAT-3'
Protein context (NP_001375421.1, residues 2005-2025): ARMVDILACR[Arg2015Gln]VEMLLAANLQ

ClinVar aggregate classification (germline): Uncertain significance (1 of 4 stars; one submission).

Allele frequency attached by ClinVar (database versions not stated): ExAC 0.00001; gnomAD exomes 0.00001; gnomAD 0.00002.
gnomAD v4.1: 12 of 1,611,914 alleles (0.00074%); highest among the groups gnomAD compares: Admixed American, 0.0034%; no homozygotes.

Submission:

Labcorp Genetics (formerly Invitae), Labcorp
Classification: Uncertain significance. Last evaluated: 2022-08-10. Review status: criteria provided, single submitter. Criteria: Invitae Variant Classification Sherloc (09022015). Collection method: clinical testing. Allele origin: germline.
Comment: This sequence change replaces arginine, which is basic and polar, with glutamine, which is neutral and polar, at codon 2017 of the HTT protein (p.Arg2017Gln). This variant is present in population databases (rs756076211, gnomAD 0.004%). This variant has not been reported in the literature in individuals affected with HTT-related conditions. ClinVar contains an entry for this variant (Variation ID: 1472581). Experimental studies and prediction algorithms are not available or were not evaluated, and the functional significance of this variant is currently unknown. Algorithms developed to predict the effect of sequence changes on RNA splicing suggest that this variant may create or strengthen a splice site. In summary, the available evidence is currently insufficient to determine the role of this variant in disease. Therefore, it has been classified as a Variant of Uncertain Significance.